The following is an entry in ClinVar:

NM_000481.4(AMT):c.819T>A (p.Tyr273Ter)

Gene: AMT (aminomethyltransferase; minus strand). Cytogenetic location: 3p21.31.
Variant type: single nucleotide variant.
Coding change: c.819T>A on transcript NM_000481.4 (MANE Select); coding-DNA position 819, T replaced by A.
Protein change: p.Tyr273Ter; replaces tyrosine 273 with a stop codon.
Molecular consequence: nonsense. On other transcripts: non-coding transcript variant (1).
Genome position (GRCh38, 1-based): chr3:49,419,029, A>T on the plus strand (T>A on the coding strand, the complement: AMT is on the minus strand). VCF-style: chr3-49419029-A-T. GRCh37 (hg19) VCF-style: chr3-49456462-A-T.
Other names: c.687T>A, p.Tyr229Ter (NM_001164710.2); c.651T>A, p.Tyr217Ter (NM_001164711.2); c.819T>A, p.Tyr273Ter (NM_001164712.2); short protein forms Y229*, Y273*, Y217*.
Identifiers: ClinVar variation 1452651 (VCV001452651.6), dbSNP rs2107931458, ClinGen allele CA352789780.

ClinVar aggregate classification (germline): Pathogenic (1 of 4 stars; one submission).

Conditions:
Glycine encephalopathy. Also called: Non-ketotic hyperglycinemia; Nonketotic hyperglycinemia. Identifiers: Orphanet 407, MedGen C0751748, MONDO:0011612, HP:0008288.

Submission:

Labcorp Genetics (formerly Invitae), Labcorp
Classification: Pathogenic for Glycine encephalopathy. Last evaluated: 2021-05-17. Review status: criteria provided, single submitter. Criteria: Invitae Variant Classification Sherloc (09022015). Collection method: clinical testing. Allele origin: germline.
Comment: For these reasons, this variant has been classified as Pathogenic. Algorithms developed to predict the effect of sequence changes on RNA splicing suggest that this variant may create or strengthen a splice site, but this prediction has not been confirmed by published transcriptional studies. This variant has not been reported in the literature in individuals with AMT-related conditions. This variant is not present in population databases (ExAC no frequency). This sequence change creates a premature translational stop signal (p.Tyr273*) in the AMT gene. It is expected to result in an absent or disrupted protein product. Loss-of-function variants in AMT are known to be pathogenic (PMID: 16450403).

Literature cited by the submitters: PubMed 16450403.